The following is an entry in ClinVar:

NM_004006.3(DMD):c.9008C>A (p.Thr3003Asn)

Gene: DMD (dystrophin; minus strand). Cytogenetic location: Xp21.2.
Variant type: single nucleotide variant.
Coding change: c.9008C>A on transcript NM_004006.3 (MANE Select); coding-DNA position 9008, C replaced by A.
Protein change: p.Thr3003Asn; replaces threonine 3003 with asparagine.
Molecular consequence: missense variant.
Genome position (GRCh38, 1-based): chrX:31,444,557, G>T on the plus strand (C>A on the coding strand, the complement: DMD is on the minus strand). VCF-style: chrX-31444557-G-T. GRCh37 (hg19) VCF-style: chrX-31462674-G-T.
Other names: c.8984C>A, p.Thr2995Asn (NM_000109.4); c.8996C>A, p.Thr2999Asn (NM_004009.3); c.8639C>A, p.Thr2880Asn (NM_004010.3); c.4985C>A, p.Thr1662Asn (NM_004011.4); c.4976C>A, p.Thr1659Asn (NM_004012.4); c.1628C>A, p.Thr543Asn (NM_004013.3, NM_004020.4, NM_004021.3 and 2 more transcripts); c.821C>A, p.Thr274Asn (NM_004014.3); short protein forms T1659N, T2880N, T1662N, T274N, T2999N, T3003N, T2995N, T543N.
Identifiers: ClinVar variation 1037452 (VCV001037452.9), dbSNP rs769519777, ClinGen allele CA412655188.
Genomic context (GRCh38, chrX:31,444,557, plus strand): 5'-CTGGTGTTCAGGTCTTCCAGAGTGCTGAGGTTATACGGTGAGAGCTGAATGCCCAAAGTG[G>T]TAAGCTGGCGAGCAAGGTCATTGACGTGGCTCACGTTCTCTTTCAGAGGCGCAATTTCTC-3'
Protein context (NP_003997.2, residues 2993-3013): SHVNDLARQL[Thr3003Asn]TLGIQLSPYN

ClinVar aggregate classification (germline): Uncertain significance (1 of 4 stars; one submission).

Conditions:
Duchenne muscular dystrophy (DMD). Also called: MUSCULAR DYSTROPHY, PSEUDOHYPERTROPHIC PROGRESSIVE, DUCHENNE TYPE; Duchenne Muscular Dystrophy (DMD). Identifiers: Orphanet 98896, MedGen C0013264, MONDO:0010679, OMIM 310200.

Submission:

Labcorp Genetics (formerly Invitae), Labcorp
Classification: Uncertain significance for Duchenne muscular dystrophy. Last evaluated: 2018-06-09. Review status: criteria provided, single submitter. Criteria: Invitae Variant Classification Sherloc (09022015). Collection method: clinical testing. Allele origin: germline.
Comment: This sequence change replaces threonine with asparagine at codon 3003 of the DMD protein (p.Thr3003Asn). The threonine residue is highly conserved and there is a small physicochemical difference between threonine and asparagine. This variant is not present in population databases (ExAC no frequency). In summary, the available evidence is currently insufficient to determine the role of this variant in disease. Therefore, it has been classified as a Variant of Uncertain Significance. Algorithms developed to predict the effect of missense changes on protein structure and function are either unavailable or do not agree on the potential impact of this missense change (SIFT: "Deleterious"; PolyPhen-2: "Possibly Damaging"; Align-GVGD: "Class C15"). This variant has not been reported in the literature in individuals with DMD-related disease.